The following is an entry in ClinVar:

ClinVar aggregate classification (germline): Uncertain significance (1 of 4 stars; one submission).

Allele frequency attached by ClinVar (database versions not stated): gnomAD exomes below 0.00001; ExAC 0.00001.

Submission:

Labcorp Genetics (formerly Invitae), Labcorp
Classification: Uncertain significance. Last evaluated: 2023-08-17. Review status: criteria provided, single submitter. Criteria: Invitae Variant Classification Sherloc (09022015). Collection method: clinical testing. Allele origin: germline.
Comment: This sequence change replaces valine, which is neutral and non-polar, with leucine, which is neutral and non-polar, at codon 1321 of the RUSC2 protein (p.Val1321Leu). This variant is present in population databases (rs781685539, gnomAD 0.0009%). This variant has not been reported in the literature in individuals affected with RUSC2-related conditions. ClinVar contains an entry for this variant (Variation ID: 1518959). An algorithm developed to predict the effect of missense changes on protein structure and function (PolyPhen-2) suggests that this variant is likely to be disruptive. In summary, the available evidence is currently insufficient to determine the role of this variant in disease. Therefore, it has been classified as a Variant of Uncertain Significance.

NM_014806.5(RUSC2):c.3961G>C (p.Val1321Leu)

Gene: RUSC2 (RUN and SH3 domain containing 2; plus strand). Cytogenetic location: 9p13.3.
Variant type: single nucleotide variant.
Coding change: c.3961G>C on transcript NM_014806.5 (MANE Select); coding-DNA position 3961, G replaced by C.
Protein change: p.Val1321Leu; replaces valine 1321 with leucine.
Molecular consequence: missense variant. On other transcripts: non-coding transcript variant (1).
Genome position (GRCh38, 1-based): chr9:35,560,601, G>C. VCF-style: chr9-35560601-G-C. GRCh37 (hg19) VCF-style: chr9-35560598-G-C.
Other names: c.3961G>C, p.Val1321Leu (NM_001135999.2); c.1327G>C, p.Val443Leu (NM_001330740.2); short protein forms V1321L, V443L.
Identifiers: ClinVar variation 1518959 (VCV001518959.6), dbSNP rs781685539, ClinGen allele CA5044274.